The following is an entry in ClinVar:

NM_024426.6(WT1):c.236G>A (p.Arg79Gln)

Genes: WT1 (WT1 transcription factor; minus strand), LOC107982234 (WT1/WT1-AS bi-directional promoter region; plus strand). Cytogenetic location: 11p13.
Variant type: single nucleotide variant.
Coding change: c.236G>A on transcript NM_024426.6 (MANE Select); coding-DNA position 236, G replaced by A.
Protein change: p.Arg79Gln; replaces arginine 79 with glutamine.
Molecular consequence: missense variant. On other transcripts: non-coding transcript variant (1).
Genome position (GRCh38, 1-based): chr11:32,435,125, C>T on the plus strand (G>A on the coding strand, the complement: WT1 is on the minus strand). VCF-style: chr11-32435125-C-T. GRCh37 (hg19) VCF-style: chr11-32456671-C-T.
Other names: c.236G>A, p.Arg79Gln (NM_000378.6, NM_024424.5); short protein forms R79Q.
Identifiers: ClinVar variation 956643 (VCV000956643.11), dbSNP rs1853467176, ClinGen allele CA379966098.
Genomic context (GRCh38, chr11:32,435,125, plus strand): 5'-AGGGCACAGCCGCCGCCGCCACCCAGGGAGGGGACGGCGGGCAGCAGCGCGTTCAGGTCC[C>T]GCACGTCGGAGCCCATTTGCTGCGGCTCAGACCCGGACGCCCCGCGGCTCCTCCGGCCCT-3'
Protein context (NP_077744.4, residues 69-89): SEPQQMGSDV[Arg79Gln]DLNALLPAVP

ClinVar aggregate classification (germline): Uncertain significance. Review status: criteria provided, multiple submitters, no conflicts (2 of 4 stars). 2 submissions from 2 submitters: Uncertain significance (2). Last evaluated 2026-08-24.

Conditions:
Wilms tumor 1 (WT1). Also called: Wilms tumor, somatic. Identifiers: Orphanet 654, MedGen CN033288, MONDO:0008679, OMIM 194070.
11p partial monosomy syndrome (WAGR). Also called: CHROMOSOME 11p13 DELETION SYNDROME; WAGR syndrome; WAGR Complex; WAGR Spectrum Disorder. Identifiers: Orphanet 893, MedGen C0206115, MONDO:0008681, OMIM 194072.
Drash syndrome (DDS). Also called: NEPHROPATHY, WILMS TUMOR, AND GENITAL ANOMALIES; WILMS TUMOR AND PSEUDO- OR TRUE HERMAPHRODITISM. Identifiers: Orphanet 220, MedGen C0950121, MONDO:0008682, OMIM 194080.
Frasier syndrome. Identifiers: Orphanet 347, MedGen C0950122, MeSH D052159, MONDO:0007635, OMIM 136680.
Inborn genetic diseases. Identifiers: MedGen C0950123, MeSH D030342.

Submissions (2):

Ambry Genetics
Classification: Uncertain significance for Inborn genetic diseases. Last evaluated: 2026-08-24. Review status: criteria provided, single submitter. Criteria: Ambry Variant Classification Scheme 2023. Collection method: clinical testing. Allele origin: germline.
Comment: The p.R74Q variant (also known as c.221G>A), located in coding exon 1 of the WT1 gene, results from a G to A substitution at nucleotide position 221. The arginine at codon 74 is replaced by glutamine, an amino acid with highly similar properties. This amino acid position is conserved. In addition, this alteration is predicted to be tolerated by in silico analysis. Based on the available evidence, the clinical significance of this variant remains unclear.

Labcorp Genetics (formerly Invitae), Labcorp
Classification: Uncertain significance for Wilms tumor 1; Drash syndrome; 11p partial monosomy syndrome; Frasier syndrome. Last evaluated: 2020-04-10. Review status: criteria provided, single submitter. Criteria: Invitae Variant Classification Sherloc (09022015). Collection method: clinical testing. Allele origin: germline.
Comment: In summary, the available evidence is currently insufficient to determine the role of this variant in disease. Therefore, it has been classified as a Variant of Uncertain Significance. Algorithms developed to predict the effect of sequence changes on RNA splicing suggest that this variant may create or strengthen a splice site, but this prediction has not been confirmed by published transcriptional studies. Algorithms developed to predict the effect of missense changes on protein structure and function are either unavailable or do not agree on the potential impact of this missense change (SIFT: "Deleterious"; PolyPhen-2: "Possibly Damaging"; Align-GVGD: "Class C0"). This variant has not been reported in the literature in individuals with WT1-related conditions. The frequency data for this variant in the population databases is considered unreliable, as metrics indicate insufficient coverage at this position in the ExAC database. This sequence change replaces arginine with glutamine at codon 74 of the WT1 protein (p.Arg74Gln). The arginine residue is highly conserved and there is a small physicochemical difference between arginine and glutamine.